The following is an entry in ClinVar:

ClinVar aggregate classification (germline): Likely benign (1 of 4 stars; one submission).

Submission:

CeGaT Center for Human Genetics Tuebingen
Classification: Likely benign. Last evaluated: 2025-09-01. Review status: criteria provided, single submitter. Criteria: CeGaT Center For Human Genetics Tuebingen Variant Classification Criteria Version 2. Collection method: clinical testing. Allele origin: germline. Affected: yes. Observed: 1 variant allele.
Comment: GCDH: PM2:Supporting, BP4, BP7

NM_000159.4(GCDH):c.702G>A (p.Arg234=)

Gene: GCDH (glutaryl-CoA dehydrogenase; plus strand). Cytogenetic location: 19p13.13.
Variant type: single nucleotide variant.
Coding change: c.702G>A on transcript NM_000159.4 (MANE Select); coding-DNA position 702, G replaced by A.
Protein change: p.Arg234=; no amino-acid change (arginine 234 retained).
Molecular consequence: synonymous variant. On other transcripts: non-coding transcript variant (2).
Genome position (GRCh38, 1-based): chr19:12,896,271, G>A. VCF-style: chr19-12896271-G-A. GRCh37 (hg19) VCF-style: chr19-13007085-G-A.
Other names: c.702G>A, p.Arg234= (NM_013976.5).
Identifiers: ClinVar variation 4281528 (VCV004281528.7).